The following is an entry in ClinVar:

NM_000130.5(F5):c.2404C>T (p.Gln802Ter)

Gene: F5 (coagulation factor V; minus strand). Cytogenetic location: 1q24.2.
Variant type: single nucleotide variant.
Coding change: c.2404C>T on transcript NM_000130.5 (MANE Select); coding-DNA position 2404, C replaced by T.
Protein change: p.Gln802Ter; replaces glutamine 802 with a stop codon.
Molecular consequence: nonsense.
Genome position (GRCh38, 1-based): chr1:169,542,686, G>A on the plus strand (C>T on the coding strand, the complement: F5 is on the minus strand). VCF-style: chr1-169542686-G-A. GRCh37 (hg19) VCF-style: chr1-169511924-G-A.
Other names: short protein forms Q802*.
Identifiers: ClinVar variation 5005207 (VCV005005207.2).

ClinVar aggregate classification (germline): Pathogenic (1 of 4 stars; one submission).

Conditions:
Congenital factor V deficiency. Also called: OWREN PARAHEMOPHILIA; PARAHEMOPHILIA; Hereditary factor V deficiency disease; LABILE FACTOR DEFICIENCY. Identifiers: Orphanet 326, MedGen C0015499, MONDO:0009210, OMIM 227400.

Submission:

Juno Genomics, Hangzhou Juno Genomics, Inc
Classification: Pathogenic for Congenital factor V deficiency. Review status: criteria provided, single submitter. Criteria: ACMG Guidelines, 2015. Collection method: clinical testing. Allele origin: germline.
Comment: Absent from controls (or at extremely low frequency if recessive) in Genome Aggregation Database.;Null variant in a gene where loss of function (LOF) is a known mechanism of disease.;For recessive disorders, detected in trans with a pathogenic variant.;Patient's phenotype or family history is highly specific for a disease with a single genetic etiology.